The following is an entry in ClinVar:

NM_201384.3(PLEC):c.6217C>T (p.Gln2073Ter)

Gene: PLEC (plectin; minus strand). Cytogenetic location: 8q24.3.
Variant type: single nucleotide variant.
Coding change: c.6217C>T on transcript NM_201384.3 (MANE Select); coding-DNA position 6217, C replaced by T.
Protein change: p.Gln2073Ter; replaces glutamine 2073 with a stop codon.
Molecular consequence: nonsense.
Genome position (GRCh38, 1-based): chr8:143,923,712, G>A on the plus strand (C>T on the coding strand, the complement: PLEC is on the minus strand). VCF-style: chr8-143923712-G-A. GRCh37 (hg19) VCF-style: chr8-144997880-G-A.
Other names: c.6298C>T, p.Gln2100Ter (NM_000445.5); c.6175C>T, p.Gln2059Ter (NM_201378.4); c.6151C>T, p.Gln2051Ter (NM_201379.3); c.6628C>T, p.Gln2210Ter (NM_201380.4); c.6121C>T, p.Gln2041Ter (NM_201381.3); c.6217C>T, p.Gln2073Ter (NM_201382.4); c.6229C>T, p.Gln2077Ter (NM_201383.3); short protein forms Q2041*, Q2051*, Q2059*, Q2073*, Q2077*, Q2100*, Q2210*.
Identifiers: ClinVar variation 2432750 (VCV002432750.6), dbSNP rs1381450738, ClinGen allele CA372537912.

ClinVar aggregate classification (germline): Pathogenic/Likely pathogenic. Review status: criteria provided, multiple submitters, no conflicts (2 of 4 stars). 2 submissions from 2 submitters: Pathogenic (1); Likely pathogenic (1). Last evaluated 2023-05-22.

Conditions:
Epidermolysis bullosa simplex 5B, with muscular dystrophy (EBS5B). Also called: EPIDERMOLYSIS BULLOSA SIMPLEX AND LIMB-GIRDLE MUSCULAR DYSTROPHY; Epidermolysis bullosa simplex with muscular dystrophy. Identifiers: Orphanet 257, MedGen C2931072, MONDO:0009181, OMIM 226670.
Epidermolysis bullosa simplex with nail dystrophy (EBS5D). Identifiers: MedGen C4225309, MONDO:0014661, OMIM 616487.
Epidermolysis bullosa simplex 5C, with pyloric atresia (EBS5C). Also called: PLEC-Related Epidermolysis Bullosa with Pyloric Atresia; Epidermolysis bullosa simplex with pyloric atresia; PLEC1-Related Epidermolysis Bullosa with Pyloric Atresia. Identifiers: Orphanet 158684, MedGen C2677349, MONDO:0012807, OMIM 612138.
Autosomal recessive limb-girdle muscular dystrophy type 2Q (LGMDR17). Also called: MUSCULAR DYSTROPHY, LIMB-GIRDLE, AUTOSOMAL RECESSIVE 17. Identifiers: Orphanet 254361, MedGen C3150989, MONDO:0013390, OMIM 613723.
Epidermolysis bullosa simplex, Ogna type (EBS5A). Also called: EPIDERMOLYSIS BULLOSA SIMPLEX 5A, OGNA TYPE; Pidermolysis bullosa simplex 5A, Ogna type. Identifiers: Orphanet 79401, MedGen C0432317, MONDO:0007555, OMIM 131950.

Submissions (2):

Labcorp Genetics (formerly Invitae), Labcorp
Classification: Pathogenic for Autosomal recessive limb-girdle muscular dystrophy type 2Q; Epidermolysis bullosa simplex, Ogna type; Epidermolysis bullosa simplex with nail dystrophy; Epidermolysis bullosa simplex 5C, with pyloric atresia; Epidermolysis bullosa simplex 5B, with muscular dystrophy. Last evaluated: 2023-05-22. Review status: criteria provided, single submitter. Criteria: Invitae Variant Classification Sherloc (09022015). Collection method: clinical testing. Allele origin: germline.
Comment: For these reasons, this variant has been classified as Pathogenic. ClinVar contains an entry for this variant (Variation ID: 2432750). This variant has not been reported in the literature in individuals affected with PLEC-related conditions. This variant is not present in population databases (gnomAD no frequency). This sequence change creates a premature translational stop signal (p.Gln2100*) in the PLEC gene. It is expected to result in an absent or disrupted protein product. Loss-of-function variants in PLEC are known to be pathogenic (PMID: 20301336, 20447487, 21109228, 23289980, 28824526).

Revvity Omics, Revvity
Classification: Likely pathogenic. Last evaluated: 2022-08-11. Review status: criteria provided, single submitter. Criteria: ACMG Guidelines, 2015. Collection method: clinical testing. Allele origin: germline.

Literature cited by the submitters: PubMed 20301336 (cited by Labcorp Genetics (formerly Invitae), Labcorp); PubMed 20447487 (cited by Labcorp Genetics (formerly Invitae), Labcorp); PubMed 21109228 (cited by Labcorp Genetics (formerly Invitae), Labcorp); PubMed 23289980 (cited by Labcorp Genetics (formerly Invitae), Labcorp); PubMed 28824526 (cited by Labcorp Genetics (formerly Invitae), Labcorp).